The following is an entry in ClinVar:

ClinVar aggregate classification (germline): Likely pathogenic. Review status: criteria provided, multiple submitters, no conflicts (2 of 4 stars). 2 submissions from 2 submitters: Likely pathogenic (2). Last evaluated 2024-03-07.

Conditions:
Ehlers-Danlos syndrome, kyphoscoliotic type 1 (EDSKSCL1). Also called: Ehlers-Danlos syndrome, hydroxylysine-deficient; EHLERS-DANLOS SYNDROME, OCULAR-SCOLIOTIC TYPE; EHLERS-DANLOS SYNDROME, TYPE VIA; PLOD1-Related Kyphoscoliotic Ehlers-Danlos Syndrome. Identifiers: Orphanet 1900, MedGen C0268342, MONDO:0016002, OMIM 225400. Disease mechanism: loss of function.

Submissions (2):

3billion
Classification: Likely pathogenic for Ehlers-Danlos syndrome, kyphoscoliotic type 1. Last evaluated: 2024-03-07. Review status: criteria provided, single submitter. Criteria: ACMG Guidelines, 2015. Collection method: clinical testing. Allele origin: germline. Affected: yes.
Comment: The variant is not observed in the gnomAD v2.1.1 dataset. Predicted Consequence/Location: Canonical splice site: predicted to alter splicing and result in a loss or disruption of normal protein function. Multiple pathogenic loss-of-function variants are reported downstream of the variant. Therefore, this variant is classified as Likely pathogenic according to the recommendation of ACMG/AMP guideline.

Labcorp Genetics (formerly Invitae), Labcorp
Classification: Likely pathogenic for Ehlers-Danlos syndrome, kyphoscoliotic type 1. Last evaluated: 2023-03-18. Review status: criteria provided, single submitter. Criteria: Invitae Variant Classification Sherloc (09022015). Collection method: clinical testing. Allele origin: germline.
Comment: In summary, the currently available evidence indicates that the variant is pathogenic, but additional data are needed to prove that conclusively. Therefore, this variant has been classified as Likely Pathogenic. Algorithms developed to predict the effect of sequence changes on RNA splicing suggest that this variant may disrupt the consensus splice site. This variant has not been reported in the literature in individuals affected with PLOD1-related conditions. This variant is not present in population databases (gnomAD no frequency). This sequence change affects a donor splice site in intron 2 of the PLOD1 gene. It is expected to disrupt RNA splicing. Variants that disrupt the donor or acceptor splice site typically lead to a loss of protein function (PMID: 16199547), and loss-of-function variants in PLOD1 are known to be pathogenic (PMID: 10874315, 21699693).

Literature cited by the submitters: PubMed 16199547 (cited by Labcorp Genetics (formerly Invitae), Labcorp); PubMed 10874315 (cited by Labcorp Genetics (formerly Invitae), Labcorp); PubMed 21699693 (cited by Labcorp Genetics (formerly Invitae), Labcorp).

NM_000302.4(PLOD1):c.168+1G>T

Gene: PLOD1 (procollagen-lysine,2-oxoglutarate 5-dioxygenase 1; plus strand). Cytogenetic location: 1p36.22.
Variant type: single nucleotide variant.
Coding change: c.168+1G>T on transcript NM_000302.4 (MANE Select); the canonical splice donor site of the intron after coding-DNA position 168, G replaced by T.
Molecular consequence: splice donor variant.
Genome position (GRCh38, 1-based): chr1:11,948,068, G>T. VCF-style: chr1-11948068-G-T. GRCh37 (hg19) VCF-style: chr1-12008125-G-T.
Other names: c.309+1G>T (NM_001316320.2).
Identifiers: ClinVar variation 2847230 (VCV002847230.4), dbSNP rs2522799648, ClinGen allele CA338425986.